The following is an entry in ClinVar:

NM_017433.5(MYO3A):c.2973G>T (p.Arg991=)

Gene: MYO3A (myosin IIIA; plus strand). Cytogenetic location: 10p12.1.
Variant type: single nucleotide variant.
Coding change: c.2973G>T on transcript NM_017433.5 (MANE Select); coding-DNA position 2973, G replaced by T.
Protein change: p.Arg991=; no amino-acid change (arginine 991 retained).
Molecular consequence: synonymous variant.
Genome position (GRCh38, 1-based): chr10:26,157,489, G>T. VCF-style: chr10-26157489-G-T. GRCh37 (hg19) VCF-style: chr10-26446418-G-T.
Identifiers: ClinVar variation 164624 (VCV000164624.17), dbSNP rs146647767, ClinGen allele CA177344.

ClinVar aggregate classification (germline): Conflicting classifications of pathogenicity. Review status: criteria provided, conflicting classifications (1 of 4 stars). 5 submissions from 5 submitters: Uncertain significance (1); Benign (3); Likely benign (1). Last evaluated 2025-10-13.

Conditions:
Autosomal recessive nonsyndromic hearing loss 30. Identifiers: Orphanet 90636, MedGen C1846784, MONDO:0011774, OMIM 607101.

Allele frequency attached by ClinVar (database versions not stated): gnomAD 0.00204; 1000 Genomes Project 0.00280; TOPMed 0.00281; 1000 Genomes Project 30x 0.00297; ESP Exome Variant Server 0.00392.
gnomAD v4.1: 714 of 1,614,050 alleles (0.044%); highest among the groups gnomAD compares: African/African-American, 0.82%; 3 homozygotes.

Submissions (5):

Labcorp Genetics (formerly Invitae), Labcorp
Classification: Benign. Last evaluated: 2025-10-13. Review status: criteria provided, single submitter. Criteria: Invitae Variant Classification Sherloc (09022015). Collection method: clinical testing. Allele origin: germline.

Blueprint Genetics
Classification: Likely benign. Last evaluated: 2024-11-13. Review status: criteria provided, single submitter. Criteria: ACMG Guidelines, 2015. Collection method: clinical testing. Allele origin: germline.

Illumina Laboratory Services, Illumina
Classification: Uncertain significance for Autosomal recessive nonsyndromic hearing loss 30. Last evaluated: 2018-01-13. Review status: criteria provided, single submitter. Criteria: ICSL Variant Classification Criteria 13 December 2019. Collection method: clinical testing. Allele origin: germline.

Laboratory for Molecular Medicine, Mass General Brigham Personalized Medicine
Classification: Benign. Last evaluated: 2012-04-30. Review status: criteria provided, single submitter. Criteria: LMM Criteria. Collection method: clinical testing. Allele origin: germline. Observed: 4 variant alleles.
Comment: Arg991Arg in Exon 26 of MYO3A: This variant is not expected to have clinical sig nificance because it does not alter an amino acid residue, is not located within the splice consensus sequence, and has been identified in 1.2% (43/3738) of Afr ican American chromosomes from a broad population by the NHLBI Exome Sequencing Project (dbSNP rs146647767).

PreventionGenetics, part of Exact Sciences
Classification: Benign. Review status: criteria provided, single submitter. Criteria: ACMG Guidelines, 2015. Collection method: clinical testing. Allele origin: germline.